The following is an entry in ClinVar:

ClinVar aggregate classification (germline): Uncertain significance (1 of 4 stars; one submission).

Allele frequency attached by ClinVar (database versions not stated): gnomAD exomes below 0.00001.
gnomAD v4.1: 2 of 1,611,732 alleles (0.00012%); highest among the groups gnomAD compares: African/African-American, 0.0013%; no homozygotes.

Submission:

Labcorp Genetics (formerly Invitae), Labcorp
Classification: Uncertain significance. Last evaluated: 2025-03-31. Review status: criteria provided, single submitter. Criteria: Invitae Variant Classification Sherloc (09022015). Collection method: clinical testing. Allele origin: germline.
Comment: This sequence change replaces proline, which is neutral and non-polar, with serine, which is neutral and polar, at codon 585 of the COL9A3 protein (p.Pro585Ser). This variant is not present in population databases (gnomAD no frequency). This variant has not been reported in the literature in individuals affected with COL9A3-related conditions. ClinVar contains an entry for this variant (Variation ID: 2008950). Invitae Evidence Modeling of protein sequence and biophysical properties (such as structural, functional, and spatial information, amino acid conservation, physicochemical variation, residue mobility, and thermodynamic stability) indicates that this missense variant is not expected to disrupt COL9A3 protein function with a negative predictive value of 95%. In summary, the available evidence is currently insufficient to determine the role of this variant in disease. Therefore, it has been classified as a Variant of Uncertain Significance.

NM_001853.4(COL9A3):c.1753C>T (p.Pro585Ser)

Gene: COL9A3 (collagen type IX alpha 3 chain; plus strand). Cytogenetic location: 20q13.33.
Variant type: single nucleotide variant.
Coding change: c.1753C>T on transcript NM_001853.4 (MANE Select); coding-DNA position 1753, C replaced by T.
Protein change: p.Pro585Ser; replaces proline 585 with serine.
Molecular consequence: missense variant.
Genome position (GRCh38, 1-based): chr20:62,837,232, C>T. VCF-style: chr20-62837232-C-T. GRCh37 (hg19) VCF-style: chr20-61468584-C-T.
Other names: short protein forms P585S.
Identifiers: ClinVar variation 2008950 (VCV002008950.4), dbSNP rs2516089876, ClinGen allele CA409599599.